The following is an entry in ClinVar:

ClinVar aggregate classification (germline): Likely benign. Review status: reviewed by expert panel (3 of 4 stars). 3 submissions from 3 submitters: Likely benign (1). 2 of the submissions do not count toward it. Last evaluated 2024-06-24.

Conditions:
Hereditary thrombocytopenia and hematologic cancer predisposition syndrome. Identifiers: Orphanet 71290, MedGen CN281654, MONDO:0011071.
Hereditary thrombocytopenia and hematological cancer predisposition syndrome associated with RUNX1. Also called: Familial Platelet Disorder with Propensity to Acute Myelogenous Leukemia; Familial thrombocytopenia with propensity to acute myelogenous leukemia; PLATELET DISORDER, ASPIRIN-LIKE; RUNX1 Familial Platelet Disorder with Associated Myeloid Malignancies. Identifiers: Orphanet 71290, MedGen C1832388, MeSH C563324, MONDO:0100083, OMIM 601399.
Inborn genetic diseases. Identifiers: MedGen C0950123, MeSH D030342.

Allele frequency attached by ClinVar (database versions not stated): TOPMed below 0.00001.

Submissions (3):

ClinGen Myeloid Malignancy Variant Curation Expert Panel
Classification: Likely benign for Hereditary thrombocytopenia and hematologic cancer predisposition syndrome. Last evaluated: 2024-06-24. Review status: reviewed by expert panel. Criteria: ClinGen MyeloMalig ACMG Specifications v2. Collection method: curation. Allele origin: germline. Inheritance: Autosomal dominant inheritance.
Comment: The NM_001754.5(RUNX1):c.1008C>T (p.Phe336=) variant is completely absent from all population databases with at least 20x coverage for RUNX1. The REVEL score is not calculable for a synonymous variant. SpliceAI predicts: Acceptor loss 0.00, Donor loss 0.00, Acceptor gain 0.00, Donor gain 0.00. Evolutionary conservation prediction algorithms predict the site as being conserved (PhyloP, 3.7408). However, this variant is present as a reference nucleotide in 3 mammals (Dolphin, Killer Whale, Platypus). In summary, the clinical significance of this variant is likely benign ACMG/AMP criteria applied, as specified by the Myeloid Malignancy Variant Curation Expert Panel for RUNX1: BP4, BP7, PM2_Supporting.

Labcorp Genetics (formerly Invitae), Labcorp
Classification: Likely benign for Hereditary thrombocytopenia and hematological cancer predisposition syndrome associated with RUNX1. Last evaluated: 2025-11-10. Review status: criteria provided, single submitter. Criteria: Invitae Variant Classification Sherloc (09022015). Collection method: clinical testing. Allele origin: germline. Not counted in ClinVar's aggregate classification.

Ambry Genetics
Classification: Likely benign for Inborn genetic diseases. Last evaluated: 2025-06-08. Review status: criteria provided, single submitter. Criteria: Ambry Variant Classification Scheme 2023. Collection method: clinical testing. Allele origin: germline. Not counted in ClinVar's aggregate classification.

NM_001754.5(RUNX1):c.1008C>T (p.Phe336=)

Gene: RUNX1 (RUNX family transcription factor 1; minus strand). Cytogenetic location: 21q22.12.
Variant type: single nucleotide variant.
Coding change: c.1008C>T on transcript NM_001754.5 (MANE Select); coding-DNA position 1008, C replaced by T.
Protein change: p.Phe336=; no amino-acid change (phenylalanine 336 retained).
Molecular consequence: synonymous variant.
Genome position (GRCh38, 1-based): chr21:34,792,570, G>A on the plus strand (C>T on the coding strand, the complement: RUNX1 is on the minus strand). VCF-style: chr21-34792570-G-A. GRCh37 (hg19) VCF-style: chr21-36164867-G-A.
Other names: NM_001754.5(RUNX1):c.1008C>T; p.Phe336=; c.1008C>T (NM_001754.4); c.927C>T, p.Phe309= (NM_001001890.3).
Identifiers: ClinVar variation 1152924 (VCV001152924.11), dbSNP rs969459005, ClinGen allele CA512341379.